The following is an entry in ClinVar:

NM_145290.4(ADGRA3):c.3629G>A (p.Arg1210Gln)

Gene: ADGRA3 (adhesion G protein-coupled receptor A3; minus strand). Cytogenetic location: 4p15.2.
Variant type: single nucleotide variant.
Coding change: c.3629G>A on transcript NM_145290.4 (MANE Select); coding-DNA position 3629, G replaced by A.
Protein change: p.Arg1210Gln; replaces arginine 1210 with glutamine.
Molecular consequence: missense variant.
Genome position (GRCh38, 1-based): chr4:22,388,042, C>T on the plus strand (G>A on the coding strand, the complement: ADGRA3 is on the minus strand). VCF-style: chr4-22388042-C-T. GRCh37 (hg19) VCF-style: chr4-22389665-C-T.
Other names: c.3629G>A (NM_145290.2); short protein forms R1210Q.
Identifiers: ClinVar variation 1044967 (VCV001044967.9), dbSNP rs367946371, ClinGen allele CA2873329.

ClinVar aggregate classification (germline): Uncertain significance. Review status: criteria provided, multiple submitters, no conflicts (2 of 4 stars). 2 submissions from 2 submitters: Uncertain significance (2). Last evaluated 2025-12-09.

Allele frequency attached by ClinVar (database versions not stated): ExAC 0.00001; gnomAD exomes 0.00001; TOPMed 0.00003; gnomAD 0.00005; ESP Exome Variant Server 0.00008.
gnomAD v4.1: 43 of 1,614,004 alleles (0.0027%); highest among the groups gnomAD compares: Middle Eastern, 0.049%; no homozygotes.

Submissions (2):

Ambry Genetics
Classification: Uncertain significance. Last evaluated: 2025-12-09. Review status: criteria provided, single submitter. Criteria: Ambry Variant Classification Scheme 2023. Collection method: clinical testing. Allele origin: germline.

Labcorp Genetics (formerly Invitae), Labcorp
Classification: Uncertain significance. Last evaluated: 2024-01-24. Review status: criteria provided, single submitter. Criteria: Invitae Variant Classification Sherloc (09022015). Collection method: clinical testing. Allele origin: germline.
Comment: This sequence change replaces arginine, which is basic and polar, with glutamine, which is neutral and polar, at codon 1210 of the ADGRA3 protein (p.Arg1210Gln). This variant is present in population databases (rs367946371, gnomAD 0.006%). This variant has not been reported in the literature in individuals affected with ADGRA3-related conditions. ClinVar contains an entry for this variant (Variation ID: 1044967). An algorithm developed to predict the effect of missense changes on protein structure and function (PolyPhen-2) suggests that this variant is likely to be disruptive. In summary, the available evidence is currently insufficient to determine the role of this variant in disease. Therefore, it has been classified as a Variant of Uncertain Significance.